The following is an entry in ClinVar:

NM_000431.4(MVK):c.755A>G (p.Asn252Ser)

Gene: MVK (mevalonate kinase; plus strand). Cytogenetic location: 12q24.11.
Variant type: single nucleotide variant.
Coding change: c.755A>G on transcript NM_000431.4 (MANE Select); coding-DNA position 755, A replaced by G.
Protein change: p.Asn252Ser; replaces asparagine 252 with serine.
Molecular consequence: missense variant.
Genome position (GRCh38, 1-based): chr12:109,590,848, A>G. VCF-style: chr12-109590848-A-G. GRCh37 (hg19) VCF-style: chr12-110028653-A-G.
Other names: c.755A>G, p.Asn252Ser (NM_001114185.3); c.599A>G, p.Asn200Ser (NM_001301182.2); short protein forms N200S, N252S.
Identifiers: ClinVar variation 862618 (VCV000862618.12), dbSNP rs112324119, ClinGen allele CA243459481.

ClinVar aggregate classification (germline): Uncertain significance. Review status: criteria provided, multiple submitters, no conflicts (2 of 4 stars). 2 submissions from 2 submitters: Uncertain significance (2). Last evaluated 2026-01-12.

Conditions:
Porokeratosis 3, disseminated superficial actinic type (POROK3). Also called: POROKERATOSIS, DISSEMINATED SUPERFICIAL ACTINIC, 1; POROKERATOSIS 3, MULTIPLE TYPES; POROKERATOSIS 3, MIBELLI TYPE. Identifiers: MedGen C1867981, MONDO:0008293, OMIM 175900.
Mevalonic aciduria (MEVA). Identifiers: Orphanet 29, MedGen C1959626, MONDO:0012481, OMIM 610377.
Hyperimmunoglobulin D with periodic fever (HIDS). Also called: HYPERIMMUNOGLOBULINEMIA D AND PERIODIC FEVER SYNDROME; Hyperimmunoglobulinemia D; Hyperimmunoglobulinemia D with periodic fever. Identifiers: Orphanet 343, MedGen C0398691, MONDO:0009849, OMIM 260920.

Allele frequency attached by ClinVar (database versions not stated): gnomAD 0.00001 and 0.00003; gnomAD exomes 0.00001; TOPMed 0.00001.
gnomAD v4.1: 28 of 1,614,166 alleles (0.0017%); highest among the groups gnomAD compares: African/African-American, 0.019%; 1 homozygote.

Submissions (2):

Labcorp Genetics (formerly Invitae), Labcorp
Classification: Uncertain significance for Mevalonic aciduria; Hyperimmunoglobulin D with periodic fever; Porokeratosis 3, disseminated superficial actinic type. Last evaluated: 2026-01-12. Review status: criteria provided, single submitter. Criteria: Invitae Variant Classification Sherloc (09022015). Collection method: clinical testing. Allele origin: germline.
Comment: This sequence change replaces asparagine, which is neutral and polar, with serine, which is neutral and polar, at codon 252 of the MVK protein (p.Asn252Ser). This variant is present in population databases (rs112324119, gnomAD 0.01%). This variant has not been reported in the literature in individuals affected with MVK-related conditions. ClinVar contains an entry for this variant (Variation ID: 862618). An algorithm developed to predict the effect of missense changes on protein structure and function outputs the following: PolyPhen-2: "Benign". The serine amino acid residue is found in multiple mammalian species, which suggests that this missense change does not adversely affect protein function. In summary, the available evidence is currently insufficient to determine the role of this variant in disease. Therefore, it has been classified as a Variant of Uncertain Significance.

Fulgent Genetics
Classification: Uncertain significance for Porokeratosis 3, disseminated superficial actinic type; Hyperimmunoglobulin D with periodic fever; Mevalonic aciduria. Last evaluated: 2024-03-26. Review status: criteria provided, single submitter. Criteria: ACMG Guidelines, 2015. Collection method: clinical testing. Allele origin: germline.